The following is an entry in ClinVar:

NM_003235.5(TG):c.4527C>T (p.His1509=)

Gene: TG (thyroglobulin; plus strand). Cytogenetic location: 8q24.22.
Variant type: single nucleotide variant.
Coding change: c.4527C>T on transcript NM_003235.5 (MANE Select); coding-DNA position 4527, C replaced by T.
Protein change: p.His1509=; no amino-acid change (histidine 1509 retained).
Molecular consequence: synonymous variant.
Genome position (GRCh38, 1-based): chr8:132,919,524, C>T. VCF-style: chr8-132919524-C-T. GRCh37 (hg19) VCF-style: chr8-133931769-C-T.
Identifiers: ClinVar variation 361963 (VCV000361963.10), dbSNP rs201216611, ClinGen allele CA4884147.

ClinVar aggregate classification (germline): Conflicting classifications of pathogenicity. Review status: criteria provided, conflicting classifications (1 of 4 stars). 6 submissions from 6 submitters: Uncertain significance (3); Likely benign (1). 2 of the submissions do not count toward it. Last evaluated 2025-06-04.

Conditions:
Iodotyrosyl coupling defect (TDH3). Also called: HYPOTHYROIDISM, CONGENITAL, DUE TO DYSHORMONOGENESIS, 3; THYROID HORMONOGENESIS, GENETIC DEFECT IN, 3. Identifiers: Orphanet 95716, MedGen C0342194, MONDO:0010135, OMIM 274700.

Allele frequency attached by ClinVar (database versions not stated): 1000 Genomes Project below 0.00001; ESP Exome Variant Server 0.00031; TOPMed 0.00034; gnomAD 0.00037 and 0.00039; gnomAD exomes 0.00051 and 0.00069; ExAC 0.00061.
gnomAD v4.1: 1,043 of 1,613,816 alleles (0.065%); highest among the groups gnomAD compares: Non-Finnish European, 0.083%; 3 homozygotes.

Submissions (6):

Women's Health and Genetics/Laboratory Corporation of America, LabCorp
Classification: Uncertain significance. Last evaluated: 2025-06-04. Review status: criteria provided, single submitter. Criteria: LabCorp Variant Classification Summary - May 2015. Collection method: clinical testing. Allele origin: germline.
Comment: Variant summary: TG c.4527C>T (p.His1509His) alters a conserved nucleotide located close to a canonical splice site and therefore could affect mRNA splicing, leading to a significantly altered protein sequence. Consensus agreement among computation tools predict no significant impact on normal splicing. However, these predictions have yet to be confirmed by functional studies. The variant allele was found at a frequency of 0.00051 in 250706 control chromosomes (gnomAD). This frequency is not significantly higher than estimated for a pathogenic variant in TG causing TG-Related Disorders, allowing no conclusion about variant significance. To our knowledge, no occurrence of c.4527C>T in individuals affected with TG-Related Disorders and no experimental evidence demonstrating its impact on protein function have been reported. ClinVar contains an entry for this variant (Variation ID: 361963). Based on the evidence outlined above, the variant was classified as uncertain significance.

Labcorp Genetics (formerly Invitae), Labcorp
Classification: Uncertain significance. Last evaluated: 2022-06-08. Review status: criteria provided, single submitter. Criteria: Invitae Variant Classification Sherloc (09022015). Collection method: clinical testing. Allele origin: germline.
Comment: This sequence change affects codon 1509 of the TG mRNA. It is a 'silent' change, meaning that it does not change the encoded amino acid sequence of the TG protein. It affects a nucleotide within the consensus splice site. This variant is present in population databases (rs201216611, gnomAD 0.1%), and has an allele count higher than expected for a pathogenic variant. This variant has not been reported in the literature in individuals affected with TG-related conditions. ClinVar contains an entry for this variant (Variation ID: 361963). Algorithms developed to predict the effect of sequence changes on RNA splicing suggest that this variant is not likely to affect RNA splicing. In summary, the available evidence is currently insufficient to determine the role of this variant in disease. Therefore, it has been classified as a Variant of Uncertain Significance.

Illumina Laboratory Services, Illumina
Classification: Uncertain significance for Iodotyrosyl coupling defect. Last evaluated: 2018-01-13. Review status: criteria provided, single submitter. Criteria: ICSL Variant Classification Criteria 13 December 2019. Collection method: clinical testing. Allele origin: germline.

GeneDx
Classification: Likely benign. Last evaluated: 2016-03-07. Review status: criteria provided, single submitter. Criteria: GeneDx Variant Classification (06012015). Collection method: clinical testing. Allele origin: germline. Affected: yes.
Comment: This variant is considered likely benign or benign based on one or more of the following criteria: it is a conservative change, it occurs at a poorly conserved position in the protein, it is predicted to be benign by multiple in silico algorithms, and/or has population frequency not consistent with disease.

Clinical Genetics DNA and cytogenetics Diagnostics Lab, Erasmus MC, Erasmus Medical Center
Classification: Likely benign. Review status: no assertion criteria provided. Collection method: clinical testing. Allele origin: germline. Affected: yes. Study: VKGL Data-share Consensus. Not counted in ClinVar's aggregate classification.

Joint Genome Diagnostic Labs from Nijmegen and Maastricht, Radboudumc and MUMC+
Classification: Likely benign. Review status: no assertion criteria provided. Collection method: clinical testing. Allele origin: germline. Affected: yes. Study: VKGL Data-share Consensus. Not counted in ClinVar's aggregate classification.